The following is an entry in ClinVar:

NM_152299.4(NCAPH2):c.964C>T (p.Pro322Ser)

Gene: NCAPH2 (non-SMC condensin II complex subunit H2; plus strand). Cytogenetic location: 22q13.33.
Variant type: single nucleotide variant.
Coding change: c.964C>T on transcript NM_152299.4 (MANE Select); coding-DNA position 964, C replaced by T.
Protein change: p.Pro322Ser; replaces proline 322 with serine.
Molecular consequence: missense variant.
Genome position (GRCh38, 1-based): chr22:50,521,573, C>T. VCF-style: chr22-50521573-C-T. GRCh37 (hg19) VCF-style: chr22-50960002-C-T.
Other names: c.964C>T, p.Pro322Ser (NM_001185011.2); short protein forms P322S.
Identifiers: ClinVar variation 2454775 (VCV002454775.5), dbSNP rs138253876, ClinGen allele CA10320680.

ClinVar aggregate classification (germline): Uncertain significance (1 of 4 stars; one submission).

Allele frequency attached by ClinVar (database versions not stated): 1000 Genomes Project 30x 0.00016; 1000 Genomes Project 0.00020; ExAC 0.00048; gnomAD 0.00052; TOPMed 0.00058; gnomAD exomes 0.00069; ESP Exome Variant Server 0.00085.
gnomAD v4.1: 1,060 of 1,613,652 alleles (0.066%); highest among the groups gnomAD compares: Non-Finnish European, 0.085%; 1 homozygote.

Submission:

Ambry Genetics
Classification: Uncertain significance. Last evaluated: 2025-03-05. Review status: criteria provided, single submitter. Criteria: Ambry Variant Classification Scheme 2023. Collection method: clinical testing. Allele origin: germline.